The following is an entry in ClinVar:

ClinVar aggregate classification (germline): Likely pathogenic (1 of 4 stars; one submission).

Conditions:
Bleeding and platelet disorders.
Non-Fanconi anemia cytopenia.

Submission:

North West Genomic Laboratory Hub, Manchester University NHS Foundation Trust
Classification: Likely pathogenic for Bleeding and platelet disorders; Non-Fanconi anemia cytopenia. Last evaluated: 2026-07-21. Review status: criteria provided, single submitter. Criteria: ACGS Best Practice Guidelines for Variant Classification in Rare Disease 2024. Collection method: clinical testing. Allele origin: germline. Affected: yes.
Comment: PM2_Mod PP4_Mod PM4_Mod

NM_198253.3(TERT):c.2482_2487del (p.Cys828_Gln829del)

Gene: TERT (telomerase reverse transcriptase; minus strand). Cytogenetic location: 5p15.33.
Variant type: Deletion.
Coding change: c.2482_2487del on transcript NM_198253.3 (MANE Select); coding-DNA positions 2482 to 2487, 6 bases deleted (TGCCAG; older notation c.2482_2487delTGCCAG).
Protein change: p.Cys828_Gln829del.
Molecular consequence: inframe deletion. On other transcripts: non-coding transcript variant (2).
Genome position (GRCh38, 1-based): chr5:1,268,615-1,268,620, CTGGCA deleted on the plus strand (TGCCAG on the coding strand, the reverse complement: TERT is on the minus strand); deleting any 6 consecutive bases within chr5:1,268,615-1,268,624 gives the same sequence; the c. name uses the placement nearest the transcript's 3' end. VCF-style (leftmost placement, unchanged base first): chr5-1268614-CCTGGCA-C. GRCh37 (hg19) VCF-style: chr5-1268729-CCTGGCA-C.
Other names: c.2482_2487del, p.Cys828_Gln829del (NM_001193376.3).
Identifiers: ClinVar variation 4884315 (VCV004884315.1).